The following is an entry in ClinVar:

ClinVar aggregate classification (germline): Uncertain significance (1 of 4 stars; one submission).

Conditions:
Acromelic frontonasal dysostosis (AFND). Identifiers: Orphanet 1827, MedGen C1863616, MONDO:0011359, OMIM 603671.

Submission:

Dasa
Classification: Uncertain significance for Acromelic frontonasal dysostosis. Last evaluated: 2025-10-31. Review status: criteria provided, single submitter. Criteria: DASA Assertion Criteria. Collection method: clinical testing. Allele origin: germline.
Comment: NM_020928.2(ZSWIM6):c.538G>A (p.Ala180Thr) is a missense variant that results in the substitution of alanine with threonine. This variant is rare in population databases. Computational prediction algorithms are consistent with a benign effect. The currently available literature and clinical evidence are not sufficient to establish a definitive association between this variant and the reported condition. Therefore, this variant is classified as a variant of uncertain significance.

NM_020928.2(ZSWIM6):c.538G>A (p.Ala180Thr)

Gene: ZSWIM6 (zinc finger SWIM-type containing 6; plus strand). Cytogenetic location: 5q12.1.
Variant type: single nucleotide variant.
Coding change: c.538G>A on transcript NM_020928.2 (MANE Select); coding-DNA position 538, G replaced by A.
Protein change: p.Ala180Thr; replaces alanine 180 with threonine.
Molecular consequence: missense variant.
Genome position (GRCh38, 1-based): chr5:61,332,810, G>A. VCF-style: chr5-61332810-G-A. GRCh37 (hg19) VCF-style: chr5-60628637-G-A.
Other names: short protein forms A180T.
Identifiers: ClinVar variation 4881076 (VCV004881076.2).